The following is an entry in ClinVar:

NM_003072.5(SMARCA4):c.2373G>T (p.Ala791=)

Gene: SMARCA4 (SWI/SNF related BAF chromatin remodeling complex subunit ATPase 4; plus strand). Cytogenetic location: 19p13.2.
Variant type: single nucleotide variant.
Coding change: c.2373G>T on transcript NM_003072.5 (MANE Select); coding-DNA position 2373, G replaced by T.
Protein change: p.Ala791=; no amino-acid change (alanine 791 retained).
Molecular consequence: synonymous variant. On other transcripts: non-coding transcript variant (1).
Genome position (GRCh38, 1-based): chr19:11,013,047, G>T. VCF-style: chr19-11013047-G-T. GRCh37 (hg19) VCF-style: chr19-11123723-G-T.
Other names: c.2373G>T, p.Ala791= (NM_001128844.3, NM_001128845.2, NM_001128846.2 and 6 more transcripts).
Identifiers: ClinVar variation 1692583 (VCV001692583.5), dbSNP rs995214932, ClinGen allele CA505489820.

ClinVar aggregate classification (germline): Benign/Likely benign. Review status: criteria provided, multiple submitters, no conflicts (2 of 4 stars). 3 submissions from 3 submitters: Benign (1); Likely benign (2). Last evaluated 2026-07-13.

Conditions:
Rhabdoid tumor predisposition syndrome 2 (RTPS2). Identifiers: Orphanet 231108, Orphanet 69077, MedGen C2750074, MONDO:0013224, OMIM 613325.
Hereditary cancer-predisposing syndrome. Also called: Neoplastic Syndromes, Hereditary; Tumor predisposition; Hereditary Cancer Syndrome; Hereditary neoplastic syndrome. Identifiers: Orphanet 140162, MedGen C0027672, MeSH D009386, MONDO:0015356.

gnomAD v4.1: 1 of 1,614,118 alleles (0.000062%); highest among the groups gnomAD compares: Non-Finnish European, 0.000085%; no homozygotes.

Submissions (3):

Myriad Genetics, Inc.
Classification: Benign for Rhabdoid tumor predisposition syndrome 2. Last evaluated: 2026-07-13. Review status: criteria provided, single submitter. Criteria: Myriad Autosomal Dominant, Autosomal Recessive and X-Linked Classification Criteria (2023). Collection method: clinical testing. Allele origin: unknown.
Comment: This variant is considered benign. This variant is a silent/synonymous amino acid change and it is not expected to impact splicing.

Labcorp Genetics (formerly Invitae), Labcorp
Classification: Likely benign for Rhabdoid tumor predisposition syndrome 2. Last evaluated: 2023-06-27. Review status: criteria provided, single submitter. Criteria: Invitae Variant Classification Sherloc (09022015). Collection method: clinical testing. Allele origin: germline.

Sema4
Classification: Likely benign for Hereditary cancer-predisposing syndrome. Last evaluated: 2021-10-19. Review status: criteria provided, single submitter. Criteria: Sema4 Curation Guidelines. Collection method: curation. Allele origin: germline.